The following is an entry in ClinVar:

ClinVar aggregate classification (germline): Likely benign (1 of 4 stars; one submission).

Submission:

CeGaT Center for Human Genetics Tuebingen
Classification: Likely benign. Last evaluated: 2026-03-01. Review status: criteria provided, single submitter. Criteria: CeGaT Center For Human Genetics Tuebingen Variant Classification Criteria Version 2. Collection method: clinical testing. Allele origin: germline. Affected: yes. Observed: 1 variant allele.
Comment: MAFA: PM2:Supporting, BP4, BP7

NM_201589.4(MAFA):c.918G>A (p.Glu306=)

Gene: MAFA (MAF bZIP transcription factor A; minus strand). Cytogenetic location: 8q24.3.
Variant type: single nucleotide variant.
Coding change: c.918G>A on transcript NM_201589.4 (MANE Select); coding-DNA position 918, G replaced by A.
Protein change: p.Glu306=; no amino-acid change (glutamic acid 306 retained).
Molecular consequence: synonymous variant.
Genome position (GRCh38, 1-based): chr8:143,429,489, C>T on the plus strand (G>A on the coding strand, the complement: MAFA is on the minus strand). VCF-style: chr8-143429489-C-T. GRCh37 (hg19) VCF-style: chr8-144511659-C-T.
Identifiers: ClinVar variation 4823717 (VCV004823717.4).
Genomic context (GRCh38, chr8:143,429,489, plus strand): 5'-CGCGCTCCCGGGGCCGCCCCGGCCCGCCAGCTTCTCGTATTTCTCCTTGTACAGGTCCCG[C>T]TCTTTGGCCAGGCGCCCCACCTCCAGCTTCAGCTGCTCCACCTGGCTCTGGAGTTGGCAC-3'
Protein context (NP_963883.2, residues 296-316): LKLEVGRLAK[Glu306=]RDLYKEKYEK